The following is an entry in ClinVar:

ClinVar aggregate classification (germline): Uncertain significance (1 of 4 stars; one submission).

Submission:

Labcorp Genetics (formerly Invitae), Labcorp
Classification: Uncertain significance. Last evaluated: 2025-08-04. Review status: criteria provided, single submitter. Criteria: Invitae Variant Classification Sherloc (09022015). Collection method: clinical testing. Allele origin: germline.
Comment: This sequence change replaces glycine, which is neutral and non-polar, with valine, which is neutral and non-polar, at codon 594 of the SEMA4A protein (p.Gly594Val). This variant is not present in population databases (gnomAD no frequency). This variant has not been reported in the literature in individuals affected with SEMA4A-related conditions. Invitae Evidence Modeling of protein sequence and biophysical properties (such as structural, functional, and spatial information, amino acid conservation, physicochemical variation, residue mobility, and thermodynamic stability) indicates that this missense variant is not expected to disrupt SEMA4A protein function with a negative predictive value of 80%. In summary, the available evidence is currently insufficient to determine the role of this variant in disease. Therefore, it has been classified as a Variant of Uncertain Significance.

NM_022367.4(SEMA4A):c.1781G>T (p.Gly594Val)

Gene: SEMA4A (semaphorin 4A; plus strand). Cytogenetic location: 1q22.
Variant type: single nucleotide variant.
Coding change: c.1781G>T on transcript NM_022367.4 (MANE Select); coding-DNA position 1781, G replaced by T.
Protein change: p.Gly594Val; replaces glycine 594 with valine.
Molecular consequence: missense variant.
Genome position (GRCh38, 1-based): chr1:156,176,492, G>T. VCF-style: chr1-156176492-G-T. GRCh37 (hg19) VCF-style: chr1-156146283-G-T.
Other names: c.1781G>T, p.Gly594Val (NM_001193300.2, NM_001193301.2, NM_001370567.1); c.1385G>T, p.Gly462Val (NM_001193302.2); c.1484G>T, p.Gly495Val (NM_001370568.1); c.1274G>T, p.Gly425Val (NM_001370569.1, NM_001370571.1); short protein forms G594V, G425V, G462V, G495V.
Identifiers: ClinVar variation 4761998 (VCV004761998.1).